The following is an entry in ClinVar:

NC_000007.13:g.(?_142459615)_(142460881_?)dup

Genes: PRSS1 (serine protease 1; plus strand), TRB (T cell receptor beta locus; plus strand). Cytogenetic location: 7q34.
Variant type: Duplication.
Identifiers: ClinVar variation 665642 (VCV000665642.2).

ClinVar aggregate classification (germline): Likely pathogenic (1 of 4 stars; one submission).

Conditions:
Hereditary pancreatitis (PCTT). Also called: PRSS1-Related Hereditary Pancreatitis; Hereditary chronic pancreatitis. Identifiers: Orphanet 676, MedGen C0238339, MONDO:0008185, OMIM 167800.

Submission:

Labcorp Genetics (formerly Invitae), Labcorp
Classification: Likely pathogenic for Hereditary pancreatitis. Last evaluated: 2019-12-05. Review status: criteria provided, single submitter. Criteria: Invitae Variant Classification Sherloc (09022015). Collection method: clinical testing. Allele origin: germline.
Comment: This variant results in a copy number gain of the genomic region encompassing exons 3-5 of the PRSS1 gene. The 5' boundary is likely confined to intron 2. The 3' end of this event is unknown as it extends beyond the assayed region for this gene and therefore may encompass additional genes. Similar copy number gains of exons 3-5 in PRSS1 have been observed to segregate with chronic pancreatitis in two families (PMID: 18461367, Invitae), but there is a limitation in determining the exact extent of these events. In summary, the currently available evidence indicates that the variant is pathogenic, but additional data are needed to prove that conclusively. Therefore, this variant has been classified as Likely Pathogenic.

Literature cited by the submitters: PubMed 18461367.